The following is an entry in ClinVar:

ClinVar aggregate classification (germline): Likely benign (0 of 4 stars; one submission).

Conditions:
ADCY3-related disorder. Also called: ADCY3-related condition.

gnomAD v4.1: 48 of 1,614,034 alleles (0.003%); highest among the groups gnomAD compares: Non-Finnish European, 0.0037%; no homozygotes.

Submission:

PreventionGenetics, part of Exact Sciences
Classification: Likely benign for ADCY3-related condition. Last evaluated: 2022-02-02. Review status: no assertion criteria provided. Collection method: clinical testing. Allele origin: germline.
Comment: This variant is classified as likely benign based on ACMG/AMP sequence variant interpretation guidelines (Richards et al. 2015 PMID: 25741868, with internal and published modifications).

NM_004036.5(ADCY3):c.2595G>C (p.Arg865=)

Gene: ADCY3 (adenylate cyclase 3; minus strand). Cytogenetic location: 2p23.3.
Variant type: single nucleotide variant.
Coding change: c.2595G>C on transcript NM_004036.5 (MANE Select); coding-DNA position 2595, G replaced by C.
Protein change: p.Arg865=; no amino-acid change (arginine 865 retained).
Molecular consequence: synonymous variant.
Genome position (GRCh38, 1-based): chr2:24,824,519, C>G on the plus strand (G>C on the coding strand, the complement: ADCY3 is on the minus strand). VCF-style: chr2-24824519-C-G. GRCh37 (hg19) VCF-style: chr2-25047388-C-G.
Other names: c.2598G>C, p.Arg866= (NM_001320613.2); c.2661G>C, p.Arg887= (NM_001377128.1); c.2457G>C, p.Arg819= (NM_001377129.1); c.2190G>C, p.Arg730= (NM_001377130.1); c.1872G>C, p.Arg624= (NM_001377131.1); c.2595G>C, p.Arg865= (NM_001377132.1).
Identifiers: ClinVar variation 3357081 (VCV003357081.1).